The following is an entry in ClinVar:

ClinVar aggregate classification (germline): Likely benign (0 of 4 stars; one submission).

Conditions:
KCTD1-related disorder. Also called: KCTD1-related condition.

Allele frequency attached by ClinVar (database versions not stated): gnomAD exomes 0.00008; 1000 Genomes Project 0.00020; 1000 Genomes Project 30x 0.00031; gnomAD 0.00051; ExAC 0.00058; TOPMed 0.00060.
gnomAD v4.1: 185 of 1,482,148 alleles (0.012%); highest among the groups gnomAD compares: African/African-American, 0.15%; no homozygotes.

Submission:

PreventionGenetics, part of Exact Sciences
Classification: Likely benign for KCTD1-related condition. Last evaluated: 2019-07-30. Review status: no assertion criteria provided. Collection method: clinical testing. Allele origin: germline.
Comment: This variant is classified as likely benign based on ACMG/AMP sequence variant interpretation guidelines (Richards et al. 2015 PMID: 25741868, with internal and published modifications).

NM_001142730.3(KCTD1):c.1623C>T (p.Phe541=)

Gene: KCTD1 (potassium channel tetramerization domain containing 1; minus strand). Cytogenetic location: 18q11.2.
Variant type: single nucleotide variant.
Coding change: c.1623C>T on transcript NM_001142730.3 (MANE Select); coding-DNA position 1623, C replaced by T.
Protein change: p.Phe541=; no amino-acid change (phenylalanine 541 retained).
Molecular consequence: synonymous variant. On other transcripts: intron variant (5).
Genome position (GRCh38, 1-based): chr18:26,546,914, G>A on the plus strand (C>T on the coding strand, the complement: KCTD1 is on the minus strand). VCF-style: chr18-26546914-G-A. GRCh37 (hg19) VCF-style: chr18-24126878-G-A.
Other names: c.10-45664C>T (NM_001258222.3); c.-15-45664C>T (NM_198991.4); c.-16+2815C>T (NM_001258221.2); c.-16+2330C>T (NM_001351443.1); c.-16+1977C>T (NM_001136205.2).
Identifiers: ClinVar variation 3035828 (VCV003035828.2), dbSNP rs566359343, ClinGen allele CA8922390.